The following is an entry in ClinVar:

ClinVar aggregate classification (germline): Uncertain significance. Review status: criteria provided, multiple submitters, no conflicts (2 of 4 stars). 3 submissions from 3 submitters: Uncertain significance (3). Last evaluated 2024-10-24.

Conditions:
Joubert syndrome. Also called: JOUBERT-BOLTSHAUSER SYNDROME; Familial aplasia of the vermis. Identifiers: Orphanet 475, MedGen C5979921, MONDO:0018772.
Meckel-Gruber syndrome. Also called: DYSENCEPHALIA SPLANCHNOCYSTICA; GRUBER SYNDROME; Dysencephalia splachnocystica. Identifiers: Orphanet 564, MedGen C0265215, MONDO:0018921.
COACH syndrome 2. Identifiers: MedGen C5436837, MONDO:0030859, OMIM 619111.
Meckel syndrome, type 6. Identifiers: Orphanet 564, MedGen C2676790, MONDO:0012848, OMIM 612284.
Joubert syndrome 9 (JBTS9). Identifiers: Orphanet 2318, MedGen C2676788, MONDO:0012849, OMIM 612285.
Retinitis pigmentosa 93. Identifiers: MedGen C5676970, MONDO:0030797, OMIM 619845.
Inborn genetic diseases. Identifiers: MedGen C0950123, MeSH D030342.

Allele frequency attached by ClinVar (database versions not stated): gnomAD exomes 0.00002; TOPMed 0.00003; ExAC 0.00004; gnomAD 0.00004.
gnomAD v4.1: 32 of 1,611,894 alleles (0.002%); highest among the groups gnomAD compares: East Asian, 0.031%; no homozygotes.

Submissions (4):

Labcorp Genetics (formerly Invitae), Labcorp
Classification: Uncertain significance for Joubert syndrome; Meckel-Gruber syndrome. Last evaluated: 2024-10-24. Review status: criteria provided, single submitter. Criteria: Invitae Variant Classification Sherloc (09022015). Collection method: clinical testing. Allele origin: germline.
Comment: This sequence change replaces threonine, which is neutral and polar, with alanine, which is neutral and non-polar, at codon 1396 of the CC2D2A protein (p.Thr1396Ala). This variant is present in population databases (rs759303901, gnomAD 0.08%). This variant has not been reported in the literature in individuals affected with CC2D2A-related conditions. ClinVar contains an entry for this variant (Variation ID: 2194044). Invitae Evidence Modeling of protein sequence and biophysical properties (such as structural, functional, and spatial information, amino acid conservation, physicochemical variation, residue mobility, and thermodynamic stability) has been performed for this missense variant. However, the output from this modeling did not meet the statistical confidence thresholds required to predict the impact of this variant on CC2D2A protein function. In summary, the available evidence is currently insufficient to determine the role of this variant in disease. Therefore, it has been classified as a Variant of Uncertain Significance.

Fulgent Genetics
Classification: Uncertain significance for Meckel syndrome, type 6; Joubert syndrome 9; COACH syndrome 2; Retinitis pigmentosa 93. Last evaluated: 2024-04-22. Review status: criteria provided, single submitter. Criteria: ACMG Guidelines, 2015. Collection method: clinical testing. Allele origin: germline.

Ambry Genetics
Classification: Uncertain significance for Inborn genetic diseases. Last evaluated: 2023-05-26. Review status: criteria provided, single submitter. Criteria: Ambry Variant Classification Scheme 2023. Collection method: clinical testing. Allele origin: germline.

Dr. Peter K. Rogan Lab, Western University
No classification provided (evidence only). Condition: Gastric cancer. Review status: no classification provided. Collection method: in vitro. Allele origin: not applicable. Functional consequence: retained intron. Not counted in ClinVar's aggregate classification.

NM_001378615.1(CC2D2A):c.4186A>G (p.Thr1396Ala)

Genes: CC2D2A (coiled-coil and C2 domain containing 2A; plus strand), FBXL5 (F-box and leucine rich repeat protein 5; minus strand). Cytogenetic location: 4p15.32.
Variant type: single nucleotide variant.
Coding change: c.4186A>G on transcript NM_001378615.1 (MANE Select); coding-DNA position 4186, A replaced by G.
Protein change: p.Thr1396Ala; replaces threonine 1396 with alanine.
Molecular consequence: missense variant.
Genome position (GRCh38, 1-based): chr4:15,589,551, A>G. VCF-style: chr4-15589551-A-G. GRCh37 (hg19) VCF-style: chr4-15591174-A-G.
Other names: c.4186A>G, p.Thr1396Ala (NM_001080522.2); c.4039A>G, p.Thr1347Ala (NM_001378617.1); short protein forms T1347A, T1396A.
Identifiers: ClinVar variation 2194044 (VCV002194044.7), dbSNP rs759303901, ClinGen allele CA2864347.